The following is an entry in ClinVar:

ClinVar aggregate classification (germline): Pathogenic (0 of 4 stars; one submission).

Conditions:
Mandibulofacial dysostosis-microcephaly syndrome (MFDGA). Also called: Growth and mental retardation, mandibulofacial dysostosis, microcephaly, and cleft palate; Mandibulofacial dysostosis, Guion-Almeida type. Identifiers: Orphanet 79113, MedGen C1864652, MONDO:0012516, OMIM 610536.

Submission:

Division of Human Genetics, Children's Hospital of Philadelphia
Classification: Pathogenic for Mandibulofacial dysostosis, Guion-Almeida type. Last evaluated: 2015-05-18. Review status: no assertion criteria provided. Collection method: research. Allele origin: de novo. Affected: yes. Study: CSER-PediSeq.
Comment: This variant (c.764dup; p.Cys256Valfs*6) has not been previously reported in the literature or in population databases. It represents a frameshift with would result in a product ~1/4 of the wild type product, consistent with previously published pathogenic mutations.

NM_004247.4(EFTUD2):c.764dup (p.Cys256fs)

Gene: EFTUD2 (elongation factor Tu GTP binding domain containing 2; minus strand). Cytogenetic location: 17q21.31.
Variant type: Duplication.
Coding change: c.764dup on transcript NM_004247.4 (MANE Select); coding-DNA position 764, one base duplicated (T; older notation c.764dupT).
Protein change: p.Cys256fs; shifts the reading frame from cysteine 256.
Molecular consequence: frameshift variant.
Genome position (GRCh38, 1-based): chr17:44,876,039, A duplicated on the plus strand (T on the coding strand, the reverse complement: EFTUD2 is on the minus strand). VCF-style (leftmost placement, unchanged base first): chr17-44876038-C-CA. GRCh37 (hg19) VCF-style: chr17-42953406-C-CA.
Other names: c.659dup, p.Cys221fs (NM_001142605.2); c.764dup, p.Cys256fs (NM_001258353.2); c.734dup, p.Cys246fs (NM_001258354.2); short protein forms C256fs, C221fs, C246fs.
Identifiers: ClinVar variation 203386 (VCV000203386.1), dbSNP rs794729651, ClinGen allele CA275517.